The following is an entry in ClinVar:

NC_000009.12:g.(?_130664644)_(130681679_?)dup

Gene: PRDM12 (PR/SET domain 12; plus strand). Cytogenetic location: 9q34.12.
Variant type: Duplication.
Identifiers: ClinVar variation 833047 (VCV000833047.5).

ClinVar aggregate classification (germline): Uncertain significance (1 of 4 stars; one submission).

Conditions:
Congenital insensitivity to pain-hypohidrosis syndrome. Also called: HSAN VIII; Neuropathy, hereditary sensory and autonomic, type VIII. Identifiers: Orphanet 478664, MedGen C4225308, MONDO:0014662, OMIM 616488.

Submission:

Labcorp Genetics (formerly Invitae), Labcorp
Classification: Uncertain significance for Congenital insensitivity to pain-hypohidrosis syndrome. Last evaluated: 2019-09-19. Review status: criteria provided, single submitter. Criteria: Invitae Variant Classification Sherloc (09022015). Collection method: clinical testing. Allele origin: germline.
Comment: In summary, the available evidence is currently insufficient to determine the role of this variant in disease. Therefore, it has been classified as a Variant of Uncertain Significance. This variant has not been reported in the literature in individuals with PRDM12-related conditions. This variant results in a copy number gain of the genomic region encompassing the full coding sequence of the PRDM12 gene. The boundaries of this event are unknown as they extend beyond the assayed region for this gene and therefore may encompass additional genes. As the precise location of this event is unknown, it may be in tandem or it may be located elsewhere in the genome.